The following is an entry in ClinVar:

ClinVar aggregate classification (germline): Uncertain significance (1 of 4 stars; one submission).

Conditions:
Hemolytic anemia due to pyrimidine 5' nucleotidase deficiency (CNSHA8). Also called: HEMOLYTIC ANEMIA DUE TO P5N DEFICIENCY; HEMOLYTIC ANEMIA DUE TO UMPH1 DEFICIENCY; P5N DEFICIENCY; PYRIMIDINE 5-PRIME NUCLEOTIDASE DEFICIENCY, HEMOLYTIC ANEMIA DUE TO; UMPH1 DEFICIENCY. Identifiers: Orphanet 35120, MedGen C1849507, MONDO:0009946, OMIM 266120.

gnomAD v4.1: 2 of 1,610,800 alleles (0.00012%); highest among the groups gnomAD compares: African/African-American, 0.0013%; no homozygotes.

Submission:

ARUP Laboratories, Molecular Genetics and Genomics, ARUP Laboratories
Classification: Uncertain significance for Hemolytic anemia due to pyrimidine 5' nucleotidase deficiency. Last evaluated: 2025-06-06. Review status: criteria provided, single submitter. Criteria: ARUP Molecular Germline Variant Investigation Process 2024. Collection method: clinical testing. Allele origin: germline.
Comment: The NT5C3A c.709G>A; p.Gly237Arg variant (rs543405986), to our knowledge, is not reported in the medical literature or gene specific databases. This variant is only observed on one allele in the Genome Aggregation Database (v2.1.1), indicating it is not a common polymorphism. Computational analyses predict that this variant is deleterious (REVEL: 0.947). However, given the lack of clinical and functional data, the significance of this variant is uncertain at this time.

NM_001002010.5(NT5C3A):c.811G>A (p.Gly271Arg)

Gene: NT5C3A (5'-nucleotidase, cytosolic IIIA; minus strand). Cytogenetic location: 7p14.3.
Variant type: single nucleotide variant.
Coding change: c.811G>A on transcript NM_001002010.5 (MANE Select); coding-DNA position 811, G replaced by A.
Protein change: p.Gly271Arg; replaces glycine 271 with arginine.
Molecular consequence: missense variant. On other transcripts: intron variant (1).
Genome position (GRCh38, 1-based): chr7:33,015,753, C>T on the plus strand (G>A on the coding strand, the complement: NT5C3A is on the minus strand). VCF-style: chr7-33015753-C-T. GRCh37 (hg19) VCF-style: chr7-33055365-C-T.
Other names: c.709G>A, p.Gly237Arg (NM_001002009.3, NM_016489.14); c.673G>A, p.Gly225Arg (NM_001166118.3, NM_001356996.3, NM_001374336.1 and 1 more transcripts); c.712G>A, p.Gly238Arg (NM_001374335.1); c.610G>A, p.Gly204Arg (NM_001374339.1); c.694-922G>A (NM_001374338.1); short protein forms G204R, G225R, G237R, G238R, G271R.
Identifiers: ClinVar variation 4685868 (VCV004685868.1).
Genomic context (GRCh38, chr7:33,015,753, plus strand): 5'-TCAGAATGTGCTCAACATTGGCCACTCCATCTGCCATTCTTAAGTCTCCTTGGGAGTCTC[C>T]CAGAAGAATTATGTTACTATTGTCTTTTAGTTGATTGAAATATTCTGTATTCCTCAAGGC-3'
Protein context (NP_001002010.2, residues 261-281): LKDNSNIILL[Gly271Arg]DSQGDLRMAD